The following is an entry in ClinVar:

ClinVar aggregate classification (germline): Uncertain significance (1 of 4 stars; one submission).

Conditions:
DYRK1A-related intellectual disability syndrome (MRD7). Also called: Intellectual developmental disorder, autosomal dominant 7; DYRK1A Syndrome. Identifiers: Orphanet 464306, MedGen C5568143, MONDO:0013578, OMIM 614104.

Allele frequency attached by ClinVar (database versions not stated): TOPMed 0.00001.

Submission:

Labcorp Genetics (formerly Invitae), Labcorp
Classification: Uncertain significance for DYRK1A-related intellectual disability syndrome. Last evaluated: 2018-03-14. Review status: criteria provided, single submitter. Criteria: Invitae Variant Classification Sherloc (09022015). Collection method: clinical testing. Allele origin: germline.
Comment: This variant is not present in population databases (ExAC no frequency). In summary, the available evidence is currently insufficient to determine the role of this variant in disease. Therefore, it has been classified as a Variant of Uncertain Significance. Algorithms developed to predict the effect of missense changes on protein structure and function (SIFT, PolyPhen-2, Align-GVGD) all suggest that this variant is likely to be tolerated, but these predictions have not been confirmed by published functional studies and their clinical significance is uncertain. This variant has not been reported in the literature in individuals with DYRK1A-related disease. This sequence change replaces glutamic acid with aspartic acid at codon 414 of the DYRK1A protein (p.Glu414Asp). The glutamic acid residue is moderately conserved and there is a small physicochemical difference between glutamic acid and aspartic acid.

NM_001347721.2(DYRK1A):c.1215G>C (p.Glu405Asp)

Gene: DYRK1A (dual specificity tyrosine phosphorylation regulated kinase 1A; plus strand). Cytogenetic location: 21q22.13.
Variant type: single nucleotide variant.
Coding change: c.1215G>C on transcript NM_001347721.2 (MANE Select); coding-DNA position 1215, G replaced by C.
Protein change: p.Glu405Asp; replaces glutamic acid 405 with aspartic acid.
Molecular consequence: missense variant.
Genome position (GRCh38, 1-based): chr21:37,505,285, G>C. VCF-style: chr21-37505285-G-C. GRCh37 (hg19) VCF-style: chr21-38877588-G-C.
Other names: c.1215G>C, p.Glu405Asp (NM_001347722.2, NM_130436.2); c.1128G>C, p.Glu376Asp (NM_001347723.2); c.1242G>C, p.Glu414Asp (NM_001396.5, NM_101395.2, NM_130438.2); short protein forms E414D, E376D, E405D.
Identifiers: ClinVar variation 575107 (VCV000575107.9), dbSNP rs369805539, ClinGen allele CA409937801.